The following is an entry in ClinVar:

NM_003072.5(SMARCA4):c.3681G>T (p.Lys1227Asn)

Gene: SMARCA4 (SWI/SNF related BAF chromatin remodeling complex subunit ATPase 4; plus strand). Cytogenetic location: 19p13.2.
Variant type: single nucleotide variant.
Coding change: c.3681G>T on transcript NM_003072.5 (MANE Select); coding-DNA position 3681, G replaced by T.
Protein change: p.Lys1227Asn; replaces lysine 1227 with asparagine.
Molecular consequence: missense variant. On other transcripts: non-coding transcript variant (1).
Genome position (GRCh38, 1-based): chr19:11,033,424, G>T. VCF-style: chr19-11033424-G-T. GRCh37 (hg19) VCF-style: chr19-11144100-G-T.
Other names: c.3681G>T, p.Lys1227Asn (NM_001128845.2, NM_001128846.2, NM_001128847.4 and 6 more transcripts); short protein forms K1227N.
Identifiers: ClinVar variation 3958422 (VCV003958422.1).

ClinVar aggregate classification (germline): Uncertain significance (1 of 4 stars; one submission).

Conditions:
Hereditary cancer-predisposing syndrome. Also called: Tumor predisposition; Hereditary neoplastic syndrome; Hereditary Cancer Syndrome; Neoplastic Syndromes, Hereditary. Identifiers: Orphanet 140162, MedGen C0027672, MeSH D009386, MONDO:0015356.

Submission:

Ambry Genetics
Classification: Uncertain significance for Hereditary cancer-predisposing syndrome. Last evaluated: 2025-03-22. Review status: criteria provided, single submitter. Criteria: Ambry Variant Classification Scheme 2023. Collection method: clinical testing. Allele origin: germline.
Comment: The p.K1227N variant (also known as c.3681G>T), located in coding exon 25 of the SMARCA4 gene, results from a G to T substitution at nucleotide position 3681. The lysine at codon 1227 is replaced by asparagine, an amino acid with similar properties. This amino acid position is conserved. In addition, the in silico prediction for this alteration is inconclusive. Based on the available evidence, the clinical significance of this variant remains unclear.